The following is an entry in ClinVar:

ClinVar aggregate classification (germline): Uncertain significance (1 of 4 stars; one submission).

Submission:

Labcorp Genetics (formerly Invitae), Labcorp
Classification: Uncertain significance. Last evaluated: 2022-05-28. Review status: criteria provided, single submitter. Criteria: Invitae Variant Classification Sherloc (09022015). Collection method: clinical testing. Allele origin: germline.
Comment: This sequence change replaces phenylalanine, which is neutral and non-polar, with serine, which is neutral and polar, at codon 312 of the KCNV2 protein (p.Phe312Ser). This variant is not present in population databases (gnomAD no frequency). This variant has not been reported in the literature in individuals affected with KCNV2-related conditions. Advanced modeling of protein sequence and biophysical properties (such as structural, functional, and spatial information, amino acid conservation, physicochemical variation, residue mobility, and thermodynamic stability) performed at Invitae indicates that this missense variant is expected to disrupt KCNV2 protein function. In summary, the available evidence is currently insufficient to determine the role of this variant in disease. Therefore, it has been classified as a Variant of Uncertain Significance.

NM_133497.4(KCNV2):c.935T>C (p.Phe312Ser)

Gene: KCNV2 (potassium voltage-gated channel modifier subfamily V member 2; plus strand). Cytogenetic location: 9p24.2.
Variant type: single nucleotide variant.
Coding change: c.935T>C on transcript NM_133497.4 (MANE Select); coding-DNA position 935, T replaced by C.
Protein change: p.Phe312Ser; replaces phenylalanine 312 with serine.
Molecular consequence: missense variant.
Genome position (GRCh38, 1-based): chr9:2,718,674, T>C. VCF-style: chr9-2718674-T-C. GRCh37 (hg19) VCF-style: chr9-2718674-T-C.
Other names: short protein forms F312S.
Identifiers: ClinVar variation 1999900 (VCV001999900.4), dbSNP rs2536973407, ClinGen allele CA372800158.